The following is an entry in ClinVar:

ClinVar aggregate classification (germline): Benign. Review status: reviewed by expert panel (3 of 4 stars). 6 submissions from 6 submitters: Benign (1). 5 of the submissions do not count toward it. Last evaluated 2020-06-04.

Conditions:
Glanzmann thrombasthenia. Also called: PLATELET GLYCOPROTEIN IIb-IIIa DEFICIENCY; Thrombasthenia; Glanzmann's thrombasthenia; BLEEDING DISORDER, PLATELET-TYPE, 2; THROMBASTHENIA OF GLANZMANN AND NAEGELI. Identifiers: Orphanet 849, MedGen C0040015, MONDO:0100326.

Allele frequency attached by ClinVar (database versions not stated): 1000 Genomes Project 0.00439; ESP Exome Variant Server 0.00447; 1000 Genomes Project 30x 0.00484; TOPMed 0.00495.
gnomAD v4.1: 1,315 of 1,566,418 alleles (0.084%); highest among the groups gnomAD compares: African/African-American, 1.6%; 10 homozygotes.

Submissions (6):

ClinGen Platelet Disorders Variant Curation Expert Panel, ClinGen
Classification: Benign for Glanzmann thrombasthenia. Last evaluated: 2020-06-04. Review status: reviewed by expert panel. Criteria: ClinGen Platelet ACMG Specifications v2. Collection method: curation. Allele origin: germline. Inheritance: Autosomal recessive inheritance.
Comment: The NM_000419.5:c.1945G>T (p.Val649Leu) variant occurs at an allele frequency of 0.01773 in the gnomAD African population and is predicted by REVEL score of 0.035 to have no impact. In summary, the variant is classified as benign. GT-specific criteria applied: BA1 and BP4.

Labcorp Genetics (formerly Invitae), Labcorp
Classification: Benign for Glanzmann thrombasthenia. Last evaluated: 2026-01-28. Review status: criteria provided, single submitter. Criteria: Invitae Variant Classification Sherloc (09022015). Collection method: clinical testing. Allele origin: germline. Not counted in ClinVar's aggregate classification.

Mayo Clinic Laboratories, Mayo Clinic
Classification: Benign. Last evaluated: 2025-07-15. Review status: criteria provided, single submitter. Criteria: ACMG Guidelines, 2015. Collection method: clinical testing. Allele origin: germline. Observed: 1 variant allele. Not counted in ClinVar's aggregate classification.
Comment: BA1, BS2, BP4_moderate, BP6

Genetic Services Laboratory, University of Chicago
Classification: Benign. Last evaluated: 2020-12-02. Review status: criteria provided, single submitter. Criteria: ACMG Guidelines, 2015. Collection method: clinical testing. Allele origin: germline. Affected: no. Not counted in ClinVar's aggregate classification.

Illumina Laboratory Services, Illumina
Classification: Benign for Glanzmann thrombasthenia 1. Last evaluated: 2018-01-12. Review status: criteria provided, single submitter. Criteria: ICSL Variant Classification Criteria 13 December 2019. Collection method: clinical testing. Allele origin: germline. Not counted in ClinVar's aggregate classification.
Comment: This variant was observed in the ICSL laboratory as part of a predisposition screen in an ostensibly healthy population. It had not been previously curated by ICSL or reported in the Human Gene Mutation Database (HGMD: prior to June 1st, 2018), and was therefore a candidate for classification through an automated scoring system. Utilizing variant allele frequency, disease prevalence and penetrance estimates, and inheritance mode, an automated score was calculated to assess if this variant is too frequent to cause the disease. Based on the score and internal cut-off values, a variant classified as benign is not then subjected to further curation. The score for this variant resulted in a classification of benign for this disease.

Breakthrough Genomics
Classification: Benign. Review status: criteria provided, single submitter. Criteria: ACMG Guidelines, 2015. Collection method: not provided. Allele origin: germline. Inheritance: Autosomal recessive inheritance. Affected: yes. Not counted in ClinVar's aggregate classification.

NM_000419.5(ITGA2B):c.1945G>T (p.Val649Leu)

Gene: ITGA2B (integrin subunit alpha 2b; minus strand). Cytogenetic location: 17q21.31.
Variant type: single nucleotide variant.
Coding change: c.1945G>T on transcript NM_000419.5 (MANE Select); coding-DNA position 1945, G replaced by T.
Protein change: p.Val649Leu; replaces valine 649 with leucine.
Molecular consequence: missense variant.
Genome position (GRCh38, 1-based): chr17:44,378,644, C>A on the plus strand (G>T on the coding strand, the complement: ITGA2B is on the minus strand). VCF-style: chr17-44378644-C-A. GRCh37 (hg19) VCF-style: chr17-42456012-C-A.
Other names: c.1945G>T (LRG_479t1); short protein forms V649L.
Identifiers: ClinVar variation 323549 (VCV000323549.20), dbSNP rs7207402, ClinGen allele CA8602902.
Genomic context (GRCh38, chr17:44,378,644, plus strand): 5'-TGGAGCAGGTATGATAGGCAGAAAGGGCCAGGGTCGGGCAGAATGGGAGGCCTCCTCACA[C>A]GCTGGCAGTGAGCTGAAGCTGGGGCACACATACGTCATCTTCCCCACAGTCCAGGACGAT-3'
Protein context (NP_000410.2, residues 639-659): CVPQLQLTAS[Val649Leu]TGSPLLVGAD